The following is an entry in ClinVar:

NM_000666.3(ACY1):c.384G>T (p.Leu128=)

Genes: ABHD14A-ACY1 (ABHD14A-ACY1 readthrough; plus strand), ACY1 (aminoacylase 1; plus strand). Cytogenetic location: 3p21.2.
Variant type: single nucleotide variant.
Coding change: c.384G>T on transcript NM_000666.3 (MANE Select); coding-DNA position 384, G replaced by T.
Protein change: p.Leu128=; no amino-acid change (leucine 128 retained).
Molecular consequence: synonymous variant. On other transcripts: intron variant (1).
Genome position (GRCh38, 1-based): chr3:51,986,279, G>T. VCF-style: chr3-51986279-G-T. GRCh37 (hg19) VCF-style: chr3-52020295-G-T.
Other names: c.654G>T, p.Leu218= (NM_001316331.2); c.384G>T, p.Leu128= (NM_001198895.2, NM_001198897.2); c.279G>T, p.Leu93= (NM_001198898.2); c.311-326G>T (NM_001198896.2).
Identifiers: ClinVar variation 787168 (VCV000787168.29), dbSNP rs138461347, ClinGen allele CA2428456.

ClinVar aggregate classification (germline): Likely benign. Review status: criteria provided, multiple submitters, no conflicts (2 of 4 stars). 5 submissions from 5 submitters: Likely benign (4). 1 of the submissions does not count toward it. Last evaluated 2026-06-01.

Conditions:
ABHD14A-ACY1-related disorder. Also called: ABHD14A-ACY1-related condition.

Allele frequency attached by ClinVar (database versions not stated): 1000 Genomes Project 0.00060; 1000 Genomes Project 30x 0.00062; gnomAD exomes 0.00076 and 0.00129; ExAC 0.00084; TOPMed 0.00097; gnomAD 0.00104 and 0.00109; ESP Exome Variant Server 0.00123.

Submissions (5):

CeGaT Center for Human Genetics Tuebingen
Classification: Likely benign. Last evaluated: 2026-06-01. Review status: criteria provided, single submitter. Criteria: CeGaT Center For Human Genetics Tuebingen Variant Classification Criteria Version 2. Collection method: clinical testing. Allele origin: germline. Affected: yes. Observed: 2 variant alleles.
Comment: ACY1: BP4, BP7; ABHD14A-ACY1: BP4, BP7

Labcorp Genetics (formerly Invitae), Labcorp
Classification: Likely benign. Last evaluated: 2026-01-05. Review status: criteria provided, single submitter. Criteria: Invitae Variant Classification Sherloc (09022015). Collection method: clinical testing. Allele origin: germline.

Blueprint Genetics
Classification: Likely benign. Last evaluated: 2024-10-16. Review status: criteria provided, single submitter. Criteria: ACMG Guidelines, 2015. Collection method: clinical testing. Allele origin: germline.

Breakthrough Genomics
Classification: Likely benign. Review status: criteria provided, single submitter. Criteria: ACMG Guidelines, 2015. Collection method: not provided. Allele origin: germline. Inheritance: Autosomal recessive inheritance. Affected: yes.

PreventionGenetics, part of Exact Sciences
Classification: Likely benign for ABHD14A-ACY1-related condition. Last evaluated: 2019-10-28. Review status: no assertion criteria provided. Collection method: clinical testing. Allele origin: germline. Not counted in ClinVar's aggregate classification.
Comment: This variant is classified as likely benign based on ACMG/AMP sequence variant interpretation guidelines (Richards et al. 2015 PMID: 25741868, with internal and published modifications).